The following is an entry in ClinVar:

NM_003923.3(FOXH1):c.791G>C (p.Arg264Pro)

Gene: FOXH1 (forkhead box H1; minus strand). Cytogenetic location: 8q24.3.
Variant type: single nucleotide variant.
Coding change: c.791G>C on transcript NM_003923.3 (MANE Select); coding-DNA position 791, G replaced by C.
Protein change: p.Arg264Pro; replaces arginine 264 with proline.
Molecular consequence: missense variant.
Genome position (GRCh38, 1-based): chr8:144,474,545, C>G on the plus strand (G>C on the coding strand, the complement: FOXH1 is on the minus strand). VCF-style: chr8-144474545-C-G. GRCh37 (hg19) VCF-style: chr8-145699928-C-G.
Other names: short protein forms R264P.
Identifiers: ClinVar variation 1412772 (VCV001412772.8), dbSNP rs775241333, ClinGen allele CA4945436.

ClinVar aggregate classification (germline): Uncertain significance (1 of 4 stars; one submission).

Conditions:
Holoprosencephaly sequence (HPE). Also called: Holoprosencephaly. Identifiers: Orphanet 2162, MedGen C0079541, MONDO:0016296, HP:0001360.

Submission:

Labcorp Genetics (formerly Invitae), Labcorp
Classification: Uncertain significance for Holoprosencephaly sequence. Last evaluated: 2021-05-30. Review status: criteria provided, single submitter. Criteria: Invitae Variant Classification Sherloc (09022015). Collection method: clinical testing. Allele origin: germline.
Comment: In summary, the available evidence is currently insufficient to determine the role of this variant in disease. Therefore, it has been classified as a Variant of Uncertain Significance. Algorithms developed to predict the effect of missense changes on protein structure and function (SIFT, PolyPhen-2, Align-GVGD) all suggest that this variant is likely to be tolerated, but these predictions have not been confirmed by published functional studies and their clinical significance is uncertain. This variant has not been reported in the literature in individuals with FOXH1-related conditions. This variant is present in population databases (rs775241333, ExAC 0.01%). This sequence change replaces arginine with proline at codon 264 of the FOXH1 protein (p.Arg264Pro). The arginine residue is weakly conserved and there is a moderate physicochemical difference between arginine and proline.